The following is an entry in ClinVar:

ClinVar aggregate classification (germline): Benign (1 of 4 stars; one submission).

Conditions:
MELAS syndrome (MELAS). Also called: Juvenile myopathy, encephalopathy, lactic acidosis, stroke. Identifiers: Orphanet 550, MedGen C0162671, MONDO:0010789, OMIM 540000.

Submission:

Wong Mito Lab, Molecular and Human Genetics, Baylor College of Medicine
Classification: Benign for MELAS syndrome. Last evaluated: 2019-07-12. Review status: criteria provided, single submitter. Criteria: Modified ACMG Guidelines (Unpublished). Collection method: clinical testing. Allele origin: germline.
Comment: The NC_012920.1:m.15932T>C variant in MT-TT gene is interpreted to be a Benign variant based on the modified ACMG guidelines (unpublished). This variant meets the following evidence codes reported in the guidelines: BS1, BS2, BP4

Literature cited by the submitters: PubMed 31965079.

NC_012920.1(MT-TT):m.15932T>C

Gene: MT-TT (mitochondrially encoded tRNA threonine; plus strand).
Variant type: single nucleotide variant.
Genome position: chrM-15932-T-C.
Identifiers: ClinVar variation 690241 (VCV000690241.1), dbSNP rs527236199, ClinGen allele CA337100590.